The following is an entry in ClinVar:

NM_024589.3(ROGDI):c.276C>T (p.Pro92=)

Gene: ROGDI (rogdi atypical leucine zipper; minus strand). Cytogenetic location: 16p13.3.
Variant type: single nucleotide variant.
Coding change: c.276C>T on transcript NM_024589.3 (MANE Select); coding-DNA position 276, C replaced by T.
Protein change: p.Pro92=; no amino-acid change (proline 92 retained).
Molecular consequence: synonymous variant. On other transcripts: non-coding transcript variant (1).
Genome position (GRCh38, 1-based): chr16:4,800,558, G>A on the plus strand (C>T on the coding strand, the complement: ROGDI is on the minus strand). VCF-style: chr16-4800558-G-A. GRCh37 (hg19) VCF-style: chr16-4850559-G-A.
Other names: c.276C>T (NM_024589.2).
Identifiers: ClinVar variation 1591905 (VCV001591905.10), dbSNP rs376597130, ClinGen allele CA7882809.

ClinVar aggregate classification (germline): Likely benign. Review status: criteria provided, multiple submitters, no conflicts (2 of 4 stars). 3 submissions from 3 submitters: Likely benign (3). Last evaluated 2025-10-16.

Conditions:
Amelocerebrohypohidrotic syndrome (KTZS). Also called: EPILEPSY AND YELLOW TEETH; EPILEPSY, DEMENTIA, AND AMELOGENESIS IMPERFECTA; Kohlschutter's syndrome; KOHLSCHUTTER SYNDROME. Identifiers: Orphanet 1946, MedGen C0406740, MONDO:0009185, OMIM 226750.

gnomAD v4.1: 61 of 1,568,540 alleles (0.0039%); highest among the groups gnomAD compares: Middle Eastern, 0.083%; 1 homozygote.

Submissions (3):

Labcorp Genetics (formerly Invitae), Labcorp
Classification: Likely benign for Amelocerebrohypohidrotic syndrome. Last evaluated: 2025-10-16. Review status: criteria provided, single submitter. Criteria: Invitae Variant Classification Sherloc (09022015). Collection method: clinical testing. Allele origin: germline.

Athena Diagnostics
Classification: Likely benign. Last evaluated: 2025-05-07. Review status: criteria provided, single submitter. Criteria: Athena Diagnostics Criteria. Collection method: clinical testing. Allele origin: unknown.
Comment: Computational tools yielded predictions that this variant is unlikely to have an effect on normal RNA splicing. This nucleotide position exhibits low evolutionary conservation.

Blueprint Genetics
Classification: Likely benign. Last evaluated: 2024-03-26. Review status: criteria provided, single submitter. Criteria: ACMG Guidelines, 2015. Collection method: clinical testing. Allele origin: germline.